The following is an entry in ClinVar:

NM_003738.5(PTCH2):c.2261G>A (p.Arg754His)

Gene: PTCH2 (patched 2; minus strand). Cytogenetic location: 1p34.1.
Variant type: single nucleotide variant.
Coding change: c.2261G>A on transcript NM_003738.5 (MANE Select); coding-DNA position 2261, G replaced by A.
Protein change: p.Arg754His; replaces arginine 754 with histidine.
Molecular consequence: missense variant.
Genome position (GRCh38, 1-based): chr1:44,827,512, C>T on the plus strand (G>A on the coding strand, the complement: PTCH2 is on the minus strand). VCF-style: chr1-44827512-C-T. GRCh37 (hg19) VCF-style: chr1-45293184-C-T.
Other names: c.2261G>A, p.Arg754His (NM_001166292.2); short protein forms R754H.
Identifiers: ClinVar variation 524549 (VCV000524549.11), dbSNP rs757344433, ClinGen allele CA823068.

ClinVar aggregate classification (germline): Uncertain significance. Review status: criteria provided, multiple submitters, no conflicts (2 of 4 stars). 3 submissions from 3 submitters: Uncertain significance (3). Last evaluated 2025-10-27.

Conditions:
Gorlin syndrome. Also called: Nevoid Basal Cell Carcinoma Syndrome; Basal cell nevus syndrome. Identifiers: Orphanet 377, MedGen C0004779, MONDO:0007187.
PTCH2-related disorder. Also called: PTCH2-related condition; PTCH2-related disease.

Allele frequency attached by ClinVar (database versions not stated): ExAC 0.00002; gnomAD exomes 0.00005; TOPMed 0.00005; gnomAD 0.00006 and 0.00007.
gnomAD v4.1: 76 of 1,614,084 alleles (0.0047%); highest among the groups gnomAD compares: Non-Finnish European, 0.0055%; no homozygotes.

Submissions (3):

Labcorp Genetics (formerly Invitae), Labcorp
Classification: Uncertain significance for Gorlin syndrome. Last evaluated: 2025-10-27. Review status: criteria provided, single submitter. Criteria: Invitae Variant Classification Sherloc (09022015). Collection method: clinical testing. Allele origin: germline.
Comment: This sequence change replaces arginine, which is basic and polar, with histidine, which is basic and polar, at codon 754 of the PTCH2 protein (p.Arg754His). This variant is present in population databases (rs757344433, gnomAD 0.006%). This variant has not been reported in the literature in individuals affected with PTCH2-related conditions. ClinVar contains an entry for this variant (Variation ID: 524549). An algorithm developed to predict the effect of missense changes on protein structure and function (PolyPhen-2) suggests that this variant is likely to be tolerated. In summary, the available evidence is currently insufficient to determine the role of this variant in disease. Therefore, it has been classified as a Variant of Uncertain Significance.

Ambry Genetics
Classification: Uncertain significance. Last evaluated: 2025-08-14. Review status: criteria provided, single submitter. Criteria: Ambry Variant Classification Scheme 2023. Collection method: clinical testing. Allele origin: germline.

PreventionGenetics, part of Exact Sciences
Classification: Uncertain significance for PTCH2-related condition. Last evaluated: 2022-09-28. Review status: criteria provided, single submitter. Criteria: ACMG Guidelines, 2015. Collection method: clinical testing. Allele origin: germline.
Comment: The PTCH2 c.2261G>A variant is predicted to result in the amino acid substitution p.Arg754His. To our knowledge, this variant has not been reported in the literature. This variant is reported in 0.0065% of alleles in individuals of South Asian descent in gnomAD. In ClinVar, this variant is interpreted as a variant of uncertain significance. At this time, the clinical significance of this variant is uncertain due to the absence of conclusive functional and genetic evidence.